The following is an entry in ClinVar:

ClinVar aggregate classification (germline): Uncertain significance. Review status: criteria provided, multiple submitters, no conflicts (2 of 4 stars). 2 submissions from 2 submitters: Uncertain significance (2). Last evaluated 2025-11-25.

Conditions:
Inborn genetic diseases. Identifiers: MedGen C0950123, MeSH D030342.

Allele frequency attached by ClinVar (database versions not stated): gnomAD exomes below 0.00001; gnomAD 0.00005 and 0.00006; TOPMed 0.00008.
gnomAD v4.1: 24 of 1,613,990 alleles (0.0015%); highest among the groups gnomAD compares: African/African-American, 0.025%; no homozygotes.

Submissions (2):

Labcorp Genetics (formerly Invitae), Labcorp
Classification: Uncertain significance. Last evaluated: 2025-11-25. Review status: criteria provided, single submitter. Criteria: Invitae Variant Classification Sherloc (09022015). Collection method: clinical testing. Allele origin: germline.
Comment: This sequence change replaces proline, which is neutral and non-polar, with arginine, which is basic and polar, at codon 970 of the SZT2 protein (p.Pro970Arg). This variant is present in population databases (no rsID available, gnomAD 0.008%). This variant has not been reported in the literature in individuals affected with SZT2-related conditions. ClinVar contains an entry for this variant (Variation ID: 1428098). Invitae Evidence Modeling of protein sequence and biophysical properties (such as structural, functional, and spatial information, amino acid conservation, physicochemical variation, residue mobility, and thermodynamic stability) indicates that this missense variant is not expected to disrupt SZT2 protein function with a negative predictive value of 80%. In summary, the available evidence is currently insufficient to determine the role of this variant in disease. Therefore, it has been classified as a Variant of Uncertain Significance.

Ambry Genetics
Classification: Uncertain significance for Inborn genetic diseases. Last evaluated: 2025-09-10. Review status: criteria provided, single submitter. Criteria: Ambry Variant Classification Scheme 2023. Collection method: clinical testing. Allele origin: germline.

NM_001365999.1(SZT2):c.2909C>G (p.Pro970Arg)

Gene: SZT2 (SZT2 subunit of KICSTOR complex; plus strand). Cytogenetic location: 1p34.2.
Variant type: single nucleotide variant.
Coding change: c.2909C>G on transcript NM_001365999.1 (MANE Select); coding-DNA position 2909, C replaced by G.
Protein change: p.Pro970Arg; replaces proline 970 with arginine.
Molecular consequence: missense variant.
Genome position (GRCh38, 1-based): chr1:43,425,929, C>G. VCF-style: chr1-43425929-C-G. GRCh37 (hg19) VCF-style: chr1-43891600-C-G.
Other names: c.2909C>G, p.Pro970Arg (NM_015284.4); c.2909C>G (NM_015284.3); short protein forms P970R.
Identifiers: ClinVar variation 1428098 (VCV001428098.9), dbSNP rs998492500, ClinGen allele CA21633906.